The following is an entry in ClinVar:

NM_020975.6(RET):c.788A>G (p.Tyr263Cys)

Gene: RET (ret proto-oncogene; plus strand). Cytogenetic location: 10q11.21.
Variant type: single nucleotide variant.
Coding change: c.788A>G on transcript NM_020975.6 (MANE Select); coding-DNA position 788, A replaced by G.
Protein change: p.Tyr263Cys; replaces tyrosine 263 with cysteine.
Molecular consequence: missense variant.
Genome position (GRCh38, 1-based): chr10:43,105,114, A>G. VCF-style: chr10-43105114-A-G. GRCh37 (hg19) VCF-style: chr10-43600562-A-G.
Other names: c.788A>G, p.Tyr263Cys (NM_000323.2, NM_001406743.1, NM_001406744.1 and 8 more transcripts); c.26A>G, p.Tyr9Cys (NM_001355216.2); c.659A>G, p.Tyr220Cys (NM_001406761.1, NM_001406762.1, NM_001406764.1 and 2 more transcripts); c.500A>G, p.Tyr167Cys (NM_001406766.1, NM_001406767.1, NM_001406770.1); short protein forms Y263C, Y9C, Y167C, Y220C.
Identifiers: ClinVar variation 953882 (VCV000953882.10), dbSNP rs1837736594, ClinGen allele CA376545075.

ClinVar aggregate classification (germline): Uncertain significance (1 of 4 stars; one submission).

Conditions:
Multiple endocrine neoplasia, type 2 (MEN2). Identifiers: Orphanet 653, MedGen C4048306, MONDO:0019003. Disease mechanism: gain of function.

Submission:

Labcorp Genetics (formerly Invitae), Labcorp
Classification: Uncertain significance for Multiple endocrine neoplasia, type 2. Last evaluated: 2019-09-30. Review status: criteria provided, single submitter. Criteria: Invitae Variant Classification Sherloc (09022015). Collection method: clinical testing. Allele origin: germline.
Comment: This sequence change replaces tyrosine with cysteine at codon 263 of the RET protein (p.Tyr263Cys). The tyrosine residue is weakly conserved and there is a large physicochemical difference between tyrosine and cysteine. This variant is not present in population databases (ExAC no frequency). This variant has not been reported in the literature in individuals with RET-related conditions. Algorithms developed to predict the effect of missense changes on protein structure and function are either unavailable or do not agree on the potential impact of this missense change (SIFT: "Tolerated"; PolyPhen-2: "Possibly Damaging"; Align-GVGD: "Class C0"). In summary, the available evidence is currently insufficient to determine the role of this variant in disease. Therefore, it has been classified as a Variant of Uncertain Significance.